The following is an entry in ClinVar:

ClinVar aggregate classification (germline): Uncertain significance (1 of 4 stars; one submission).

Conditions:
Microcephaly, normal intelligence and immunodeficiency (NBS). Also called: Nijmegen breakage syndrome; Microcephaly with normal intelligence immunodeficiency and lymphoreticular malignancies; Nonsyndromal microcephaly autosomal recessive with normal intelligence; Seemanova syndrome 2; Ataxia telangiectasia variant V1; SEEMANOVA SYNDROME II. Identifiers: Orphanet 647, MedGen C0398791, MONDO:0009623, OMIM 251260.

Allele frequency attached by ClinVar (database versions not stated): gnomAD exomes below 0.00001.

Submission:

Labcorp Genetics (formerly Invitae), Labcorp
Classification: Uncertain significance for Microcephaly, normal intelligence and immunodeficiency. Last evaluated: 2020-07-19. Review status: criteria provided, single submitter. Criteria: Invitae Variant Classification Sherloc (09022015). Collection method: clinical testing. Allele origin: germline.
Comment: Algorithms developed to predict the effect of missense changes on protein structure and function are either unavailable or do not agree on the potential impact of this missense change (SIFT: "Deleterious"; PolyPhen-2: "Probably Damaging"; Align-GVGD: "Class C0"). In summary, the available evidence is currently insufficient to determine the role of this variant in disease. Therefore, it has been classified as a Variant of Uncertain Significance. This variant has not been reported in the literature in individuals with NBN-related conditions. This variant is not present in population databases (ExAC no frequency). This sequence change replaces tryptophan with cysteine at codon 722 of the NBN protein (p.Trp722Cys). The tryptophan residue is highly conserved and there is a large physicochemical difference between tryptophan and cysteine.

NM_002485.5(NBN):c.2166G>T (p.Trp722Cys)

Gene: NBN (nibrin; minus strand). Cytogenetic location: 8q21.3.
Variant type: single nucleotide variant.
Coding change: c.2166G>T on transcript NM_002485.5 (MANE Select); coding-DNA position 2166, G replaced by T.
Protein change: p.Trp722Cys; replaces tryptophan 722 with cysteine.
Molecular consequence: missense variant.
Genome position (GRCh38, 1-based): chr8:89,943,271, C>A on the plus strand (G>T on the coding strand, the complement: NBN is on the minus strand). VCF-style: chr8-89943271-C-A. GRCh37 (hg19) VCF-style: chr8-90955499-C-A.
Other names: c.1920G>T, p.Trp640Cys (NM_001024688.3); short protein forms W640C, W722C.
Identifiers: ClinVar variation 1045504 (VCV001045504.8), dbSNP rs1810031465, ClinGen allele CA371675332.